The following is an entry in ClinVar:

NM_000377.3(WAS):c.413G>C (p.Arg138Pro)

Gene: WAS (WASP actin nucleation promoting factor; plus strand). Cytogenetic location: Xp11.23.
Variant type: single nucleotide variant.
Coding change: c.413G>C on transcript NM_000377.3 (MANE Select); coding-DNA position 413, G replaced by C.
Protein change: p.Arg138Pro; replaces arginine 138 with proline.
Molecular consequence: missense variant.
Genome position (GRCh38, 1-based): chrX:48,685,786, G>C. VCF-style: chrX-48685786-G-C. GRCh37 (hg19) VCF-style: chrX-48544175-G-C.
Other names: short protein forms R138P.
Identifiers: ClinVar variation 495847 (VCV000495847.2), dbSNP rs139265251, ClinGen allele CA412867848.

ClinVar aggregate classification (germline): Pathogenic. Review status: criteria provided, multiple submitters, no conflicts (2 of 4 stars). 2 submissions from 2 submitters: Pathogenic (2). Last evaluated 2024-03-04.

Conditions:
Thrombocytopenia 1. Also called: X-linked thrombocytopenia with normal platelets; X-Linked Thrombocytopenia (XLT); THROMBOCYTOPENIA, X-LINKED, 1. Identifiers: Orphanet 268322, Orphanet 852, MedGen C1839163, MONDO:0010743, OMIM 313900.
WAS-related disorder. Also called: WAS-Related Disorders; WAS-related condition. Identifiers: MedGen CN381538.

Submissions (2):

Blueprint Genetics
Classification: Pathogenic for WAS-related disorders. Last evaluated: 2024-03-04. Review status: criteria provided, single submitter. Criteria: ACMG Guidelines, 2015. Collection method: clinical testing. Allele origin: germline. Affected: yes. Observed: 1 variant allele.

Women's Health and Genetics/Laboratory Corporation of America, LabCorp
Classification: Pathogenic for Thrombocytopenia 1. Last evaluated: 2016-12-07. Review status: criteria provided, single submitter. Criteria: LabCorp Variant Classification Summary - May 2015. Collection method: clinical testing. Allele origin: germline.
Comment: Variant summary: The WAS c.413G>C (p.Arg138Pro) variant located in the WH1/EVH1 domain (via InterPro) causes a missense change involving a non-conserved nucleotide, which 3/5 in silico tools predict a damaging outcome. Multiple functional studies support these predictions. The variant of interest was not observed in controls (ExAC, 1000 Gs, or ESP) and has been reported in multiple affected indivdiuals (1 classic WAS, 2 brothers X-linked thrombocytopenia, 1 mild WAS (indicated to be de novo) via publications, which support the variability of WAS clinical manifestations. One database cites the variant as pathogenic but has not been reported by clinical diagnostic laboratories. Therefore, taking all available lines of evidence into consideration, the variant of interest has been classified as "pathogenic."

Literature cited by the submitters: PubMed 16562789 (cited by Women's Health and Genetics/Laboratory Corporation of America, LabCorp); PubMed 10575547 (cited by Women's Health and Genetics/Laboratory Corporation of America, LabCorp); PubMed 12591280 (cited by Women's Health and Genetics/Laboratory Corporation of America, LabCorp); PubMed 19817875 (cited by Women's Health and Genetics/Laboratory Corporation of America, LabCorp); PubMed 14612666 (cited by Women's Health and Genetics/Laboratory Corporation of America, LabCorp); PubMed 23160469 (cited by Women's Health and Genetics/Laboratory Corporation of America, LabCorp).